The following is an entry in ClinVar:

NM_206933.4(USH2A):c.8990T>C (p.Ile2997Thr)

Gene: USH2A (usherin; minus strand). Cytogenetic location: 1q41.
Variant type: single nucleotide variant.
Coding change: c.8990T>C on transcript NM_206933.4 (MANE Select); coding-DNA position 8990, T replaced by C.
Protein change: p.Ile2997Thr; replaces isoleucine 2997 with threonine.
Molecular consequence: missense variant.
Genome position (GRCh38, 1-based): chr1:215,845,889, A>G on the plus strand (T>C on the coding strand, the complement: USH2A is on the minus strand). VCF-style: chr1-215845889-A-G. GRCh37 (hg19) VCF-style: chr1-216019231-A-G.
Other names: short protein forms I2997T.
Identifiers: ClinVar variation 1928772 (VCV001928772.2), dbSNP rs1663829506, ClinGen allele CA344840799.

ClinVar aggregate classification (germline): Uncertain significance (1 of 4 stars; one submission).

Allele frequency attached by ClinVar (database versions not stated): gnomAD exomes below 0.00001; TOPMed 0.00001.
gnomAD v4.1: 2 of 1,613,930 alleles (0.00012%); highest among the groups gnomAD compares: Non-Finnish European, 0.000085%; no homozygotes.

Submission:

Labcorp Genetics (formerly Invitae), Labcorp
Classification: Uncertain significance. Last evaluated: 2021-09-24. Review status: criteria provided, single submitter. Criteria: Invitae Variant Classification Sherloc (09022015). Collection method: clinical testing. Allele origin: germline.
Comment: This sequence change replaces isoleucine with threonine at codon 2997 of the USH2A protein (p.Ile2997Thr). The isoleucine residue is moderately conserved and there is a moderate physicochemical difference between isoleucine and threonine. This variant is not present in population databases (ExAC no frequency). This variant has not been reported in the literature in individuals with USH2A-related conditions. Algorithms developed to predict the effect of missense changes on protein structure and function are either unavailable or do not agree on the potential impact of this missense change (SIFT: "Deleterious"; PolyPhen-2: "Benign"; Align-GVGD: "Class C35"). In summary, the available evidence is currently insufficient to determine the role of this variant in disease. Therefore, it has been classified as a Variant of Uncertain Significance.